The following is an entry in ClinVar:

ClinVar aggregate classification (germline): Pathogenic (1 of 4 stars; one submission).

Conditions:
Mucopolysaccharidosis, MPS-II (MPS2). Also called: Attenuated MPS (subtype; formerly known as mild MPS II); Severe MPS II; I2S deficiency; MPS 2; Hunter Syndrome; IDURONATE 2-SULFATASE DEFICIENCY. Identifiers: Orphanet 580, Orphanet 79388, MedGen C0026705, MONDO:0010674, OMIM 309900.

Submission:

Laboratory of Diagnosis and Therapy of Lysosomal Disorders, University of Padova
Classification: Pathogenic for Mucopolysaccharidosis, MPS-II. Last evaluated: 2024-06-07. Review status: criteria provided, single submitter. Criteria: ACMG Guidelines, 2015. Collection method: literature only. Allele origin: germline. Affected: yes. Observed: 2 variant alleles.
Comment: Prevalence of the variant significantly increased in affected individuals compared with controls (PS4_Strong), Absent from controls (or at low frequency) in gnomAD database (PM2_Moderate), Missense variant in a gene with a low rate of benign missense variation (PP2_Supporting), Multiple lines of computational evidence support a deleterious effect (PP3_Supporting), Patient’s phenotype or family history highly specific for the disease (PP4_Strong)

Classification method: ACMG Guidelines [PMID:25741868] with modifications

Literature cited by the submitters: PubMed 35759972; PubMed 33960103.

NM_000202.8(IDS):c.479C>T (p.Pro160Leu)

Genes: IDS (iduronate 2-sulfatase; minus strand), LOC106050102 (IDS recombination region; plus strand). Cytogenetic location: Xq28.
Variant type: single nucleotide variant.
Coding change: c.479C>T on transcript NM_000202.8 (MANE Select); coding-DNA position 479, C replaced by T.
Protein change: p.Pro160Leu; replaces proline 160 with leucine.
Molecular consequence: missense variant. On other transcripts: non-coding transcript variant (1).
Genome position (GRCh38, 1-based): chrX:149,500,977, G>A on the plus strand (C>T on the coding strand, the complement: IDS is on the minus strand). VCF-style: chrX-149500977-G-A. GRCh37 (hg19) VCF-style: chrX-148582508-G-A.
Other names: c.209C>T, p.Pro70Leu (NM_001166550.4); c.479C>T, p.Pro160Leu (NM_006123.5); short protein forms P160L, P70L.
Identifiers: ClinVar variation 3255750 (VCV003255750.3).
Genomic context (GRCh38, chrX:149,500,977, plus strand): 5'-CCTCTTCAGAAATGTCCCTTTCACAGCCTTACCTTAGTGTTTTCATACTTCTCAGAGGAA[G>A]GATGATAAGGTGGAAAAGACCAGCTATACGGAGAATCATCGGTATGGTTAGAAGATATCC-3'
Protein context (NP_000193.1, residues 150-170): PYSWSFPPYH[Pro160Leu]SSEKYENTKT